The following is an entry in ClinVar:

NM_001370658.1(BTD):c.1082_1097del (p.Asp361fs)

Gene: BTD (biotinidase; plus strand). Cytogenetic location: 3p25.1.
Variant type: Deletion.
Coding change: c.1082_1097del on transcript NM_001370658.1 (MANE Select); coding-DNA positions 1082 to 1097, 16 bases deleted (ATGAGGCCACCAAGTG).
Protein change: p.Asp361fs; shifts the reading frame from aspartic acid 361.
Molecular consequence: frameshift variant. On other transcripts: intron variant (8).
Genome position (GRCh38, 1-based): chr3:15,644,998-15,645,013, ATGAGGCCACCAAGTG deleted; deleting any 16 consecutive bases within chr3:15,644,995-15,645,013 gives the same sequence; the c. name uses the placement nearest the transcript's 3' end. VCF-style (leftmost placement, unchanged base first): chr3-15644994-TGTGATGAGGCCACCAA-T. GRCh37 (hg19) VCF-style: chr3-15686501-TGTGATGAGGCCACCAA-T.
Other names: c.399+2941_399+2956del (NM_001407398.1, NM_001407401.1, NM_001407399.1 and 3 more transcripts); c.1015+67_1015+82del (NM_001407379.1, NM_001370752.1); c.1082_1097del, p.Asp361fs (NM_001407378.1, NM_001407376.1, NM_001407377.1 and 16 more transcripts); short protein forms D361fs.
Identifiers: ClinVar variation 2761753 (VCV002761753.3), dbSNP rs2471517424, ClinGen allele CA2697550715.
Genomic context (GRCh38, chr3:15,644,994, plus strand): 5'-AAGTTTTTAAAAATTTTGTCAGGCGATCCGTACTGTGAGAAGGATGCTCAGGAAGTCCAC[TGTGATGAGGCCACCAA>T]GTGGAACGTGAATGCTCCTCCCACATTTCACTCTGAGATGATGTATGACAATTTCACCCT-3'

ClinVar aggregate classification (germline): Pathogenic (1 of 4 stars; one submission).

Conditions:
Biotinidase deficiency. Also called: BTD deficiency; Late-onset biotin-responsive multiple carboxylase deficiency; Biotin deficiency. Identifiers: Orphanet 79241, MedGen C0220754, MONDO:0009665, OMIM 253260.

Submission:

Labcorp Genetics (formerly Invitae), Labcorp
Classification: Pathogenic for Biotinidase deficiency. Last evaluated: 2023-09-18. Review status: criteria provided, single submitter. Criteria: Invitae Variant Classification Sherloc (09022015). Collection method: clinical testing. Allele origin: germline.
Comment: This sequence change creates a premature translational stop signal (p.Asp381Glyfs*3) in the BTD gene. While this is not anticipated to result in nonsense mediated decay, it is expected to disrupt the last 163 amino acid(s) of the BTD protein. This variant is not present in population databases (gnomAD no frequency). This variant has not been reported in the literature in individuals affected with BTD-related conditions. This variant disrupts a region of the BTD protein in which other variant(s) (p.Tyr540Cys) have been determined to be pathogenic (PMID: 10400129; Invitae). This suggests that this is a clinically significant region of the protein, and that variants that disrupt it are likely to be disease-causing. For these reasons, this variant has been classified as Pathogenic.

Literature cited by the submitters: PubMed 10400129.